The following is an entry in ClinVar:

ClinVar aggregate classification (germline): Uncertain significance (1 of 4 stars; one submission).

gnomAD v4.1: 4 of 1,611,898 alleles (0.00025%); highest among the groups gnomAD compares: African/African-American, 0.0013%; no homozygotes.

Submission:

GeneDx
Classification: Uncertain significance. Last evaluated: 2023-03-22. Review status: criteria provided, single submitter. Criteria: GeneDx Variant Classification Process June 2021. Collection method: clinical testing. Allele origin: germline. Affected: yes.
Comment: Not observed at significant frequency in large population cohorts (gnomAD); In silico analysis supports that this missense variant has a deleterious effect on protein structure/function; Has not been previously published as pathogenic or benign to our knowledge

NM_000702.4(ATP1A2):c.596C>A (p.Ala199Asp)

Genes: ATP1A2 (ATPase Na+/K+ transporting subunit alpha 2; plus strand), LOC126805890 (CDK7 strongly-dependent group 2 enhancer GRCh37_chr1:160093987-160095186; plus strand). Cytogenetic location: 1q23.2.
Variant type: single nucleotide variant.
Coding change: c.596C>A on transcript NM_000702.4 (MANE Select); coding-DNA position 596, C replaced by A.
Protein change: p.Ala199Asp; replaces alanine 199 with aspartic acid.
Molecular consequence: missense variant.
Genome position (GRCh38, 1-based): chr1:160,124,396, C>A. VCF-style: chr1-160124396-C-A. GRCh37 (hg19) VCF-style: chr1-160094186-C-A.
Other names: short protein forms A199D.
Identifiers: ClinVar variation 2580627 (VCV002580627.1), dbSNP rs1276000993, ClinGen allele CA343233958.